The following is an entry in ClinVar:

ClinVar aggregate classification (germline): Benign. Review status: criteria provided, multiple submitters, no conflicts (2 of 4 stars). 2 submissions from 2 submitters: Benign (2). Last evaluated 2018-01-12.

Conditions:
Aromatase deficiency. Also called: Increased aromatase activity; PSEUDOHERMAPHRODITISM, FEMALE, DUE TO PLACENTAL AROMATASE DEFICIENCY. Identifiers: Orphanet 91, MedGen C1960539, MONDO:0013301, OMIM 613546.

Allele frequency attached by ClinVar (database versions not stated): 1000 Genomes Project 30x 0.40256; 1000 Genomes Project 0.40395; TOPMed 0.44700; gnomAD 0.45750 and 0.46111.

Submissions (2):

Illumina Laboratory Services, Illumina
Classification: Benign for Aromatase deficiency. Last evaluated: 2018-01-12. Review status: criteria provided, single submitter. Criteria: ICSL Variant Classification Criteria 13 December 2019. Collection method: clinical testing. Allele origin: germline.
Comment: This variant was observed in the ICSL laboratory as part of a predisposition screen in an ostensibly healthy population. It had not been previously curated by ICSL or reported in the Human Gene Mutation Database (HGMD: prior to June 1st, 2018), and was therefore a candidate for classification through an automated scoring system. Utilizing variant allele frequency, disease prevalence and penetrance estimates, and inheritance mode, an automated score was calculated to assess if this variant is too frequent to cause the disease. Based on the score and internal cut-off values, a variant classified as benign is not then subjected to further curation. The score for this variant resulted in a classification of benign for this disease.

Breakthrough Genomics
Classification: Benign. Review status: criteria provided, single submitter. Criteria: ACMG Guidelines, 2015. Collection method: not provided. Allele origin: germline. Inheritance: Unknown mechanism. Affected: yes.

NM_000103.4(CYP19A1):c.*1601G>A

Genes: PIRC66 (piwi-interacting RNA cluster 66; plus strand), CYP19A1 (cytochrome P450 family 19 subfamily A member 1; minus strand), MIR4713HG (MIR4713 host gene; plus strand). Cytogenetic location: 15q21.2.
Variant type: single nucleotide variant.
Coding change: c.*1601G>A on transcript NM_000103.4 (MANE Select); 1601 bases downstream of the stop codon, G replaced by A.
Molecular consequence: 3 prime UTR variant.
Genome position (GRCh38, 1-based): chr15:51,209,207, C>T on the plus strand (G>A on the coding strand, the complement: CYP19A1 is on the minus strand). VCF-style: chr15-51209207-C-T. GRCh37 (hg19) VCF-style: chr15-51501404-C-T.
Other names: c.*1601G>A (NM_001347248.1, NM_001347249.2, NM_001347250.2 and 7 more transcripts).
Identifiers: ClinVar variation 316454 (VCV000316454.6), dbSNP rs12148604, ClinGen allele CA10646240.